The following is an entry in ClinVar:

NM_198506.5(LRIT3):c.*1267C>T

Gene: LRIT3 (leucine rich repeat, Ig-like and transmembrane domains 3; plus strand). Cytogenetic location: 4q25.
Variant type: single nucleotide variant.
Coding change: c.*1267C>T on transcript NM_198506.5 (MANE Select); 1267 bases downstream of the stop codon, C replaced by T.
Molecular consequence: 3 prime UTR variant.
Genome position (GRCh38, 1-based): chr4:109,872,056, C>T. VCF-style: chr4-109872056-C-T. GRCh37 (hg19) VCF-style: chr4-110793212-C-T.
Identifiers: ClinVar variation 901086 (VCV000901086.4), dbSNP rs190337829, ClinGen allele CA103713446.

ClinVar aggregate classification (germline): Likely benign (1 of 4 stars; one submission).

Conditions:
Congenital stationary night blindness 1F. Also called: Night blindness, congenital stationary (complete), 1F, autosomal recessive. Identifiers: Orphanet 215, MedGen C3554399, MONDO:0014026, OMIM 615058.

Allele frequency attached by ClinVar (database versions not stated): 1000 Genomes Project 30x 0.00078; 1000 Genomes Project 0.00080; gnomAD 0.00100 and 0.00101; TOPMed 0.00104.

Submission:

Illumina Laboratory Services, Illumina
Classification: Likely benign for Congenital stationary night blindness 1F. Last evaluated: 2018-01-13. Review status: criteria provided, single submitter. Criteria: ICSL Variant Classification Criteria 13 December 2019. Collection method: clinical testing. Allele origin: germline.
Comment: This variant was observed in the ICSL laboratory as part of a predisposition screen in an ostensibly healthy population. It had not been previously curated by ICSL or reported in the Human Gene Mutation Database (HGMD: prior to June 1st, 2018), and was therefore a candidate for classification through an automated scoring system. Utilizing variant allele frequency, disease prevalence and penetrance estimates, and inheritance mode, an automated score was calculated to assess if this variant is too frequent to cause the disease. Based on the score and internal cut-off values, a variant classified as likely benign is not then subjected to further curation. The score for this variant resulted in a classification of likely benign for this disease.